The following is an entry in ClinVar:

ClinVar aggregate classification (germline): Uncertain significance (1 of 4 stars; one submission).

Conditions:
Arrhythmogenic right ventricular dysplasia 11. Also called: ARRHYTHMOGENIC RIGHT VENTRICULAR DYSPLASIA, FAMILIAL, 11; Arrhythmogenic Right Ventricular Dysplasia/Cardiomyopathy11; Arrhythmogenic right ventricular dysplasia 11 with mild palmoplantar keratoderma and woolly hair. Identifiers: MedGen C1864850, MONDO:0012506, OMIM 610476.

Submission:

Labcorp Genetics (formerly Invitae), Labcorp
Classification: Uncertain significance for Arrhythmogenic right ventricular dysplasia 11. Last evaluated: 2023-03-23. Review status: criteria provided, single submitter. Criteria: Invitae Variant Classification Sherloc (09022015). Collection method: clinical testing. Allele origin: germline.
Comment: Advanced modeling of protein sequence and biophysical properties (such as structural, functional, and spatial information, amino acid conservation, physicochemical variation, residue mobility, and thermodynamic stability) performed at Invitae indicates that this missense variant is not expected to disrupt DSC2 protein function. In summary, the available evidence is currently insufficient to determine the role of this variant in disease. Therefore, it has been classified as a Variant of Uncertain Significance. This variant has not been reported in the literature in individuals affected with DSC2-related conditions. This variant is not present in population databases (gnomAD no frequency). This sequence change replaces proline, which is neutral and non-polar, with alanine, which is neutral and non-polar, at codon 442 of the DSC2 protein (p.Pro442Ala).

NM_024422.6(DSC2):c.1324C>G (p.Pro442Ala)

Gene: DSC2 (desmocollin 2; minus strand). Cytogenetic location: 18q12.1.
Variant type: single nucleotide variant.
Coding change: c.1324C>G on transcript NM_024422.6 (MANE Select); coding-DNA position 1324, C replaced by G.
Protein change: p.Pro442Ala; replaces proline 442 with alanine.
Molecular consequence: missense variant.
Genome position (GRCh38, 1-based): chr18:31,080,292, G>C on the plus strand (C>G on the coding strand, the complement: DSC2 is on the minus strand). VCF-style: chr18-31080292-G-C. GRCh37 (hg19) VCF-style: chr18-28660258-G-C.
Other names: c.895C>G, p.Pro299Ala (NM_001406506.1, NM_001406507.1); c.1324C>G, p.Pro442Ala (NM_004949.5); short protein forms P442A, P299A.
Identifiers: ClinVar variation 2990202 (VCV002990202.3), dbSNP rs201480399, ClinGen allele CA402108783.